The following is an entry in ClinVar:

NM_000070.3(CAPN3):c.613C>G (p.Leu205Val)

Gene: CAPN3 (calpain 3; plus strand). Cytogenetic location: 15q15.1.
Variant type: single nucleotide variant.
Coding change: c.613C>G on transcript NM_000070.3 (MANE Select); coding-DNA position 613, C replaced by G.
Protein change: p.Leu205Val; replaces leucine 205 with valine.
Molecular consequence: missense variant.
Genome position (GRCh38, 1-based): chr15:42,387,867, C>G. VCF-style: chr15-42387867-C-G. GRCh37 (hg19) VCF-style: chr15-42680065-C-G.
Other names: c.613C>G, p.Leu205Val (NM_024344.2, NM_173087.2); c.352C>G, p.Leu118Val (NM_212464.2); c.*306C>G (NM_212467.2); short protein forms L118V, L205V.
Identifiers: ClinVar variation 2880688 (VCV002880688.3), dbSNP rs2548258147, ClinGen allele CA391997988.

ClinVar aggregate classification (germline): Uncertain significance (1 of 4 stars; one submission).

Conditions:
Autosomal recessive limb-girdle muscular dystrophy type 2A (LGMDR1). Also called: LEYDEN-MOEBIUS MUSCULAR DYSTROPHY; MUSCULAR DYSTROPHY, PELVOFEMORAL; Limb-girdle muscular dystrophy, type 2A; Calpainopathy; Muscular dystrophy, limb-girdle, type 2A, Amish. Identifiers: Orphanet 267, MedGen C1869123, MONDO:0009675, OMIM 253600. Disease mechanism: loss of function.

Submission:

Labcorp Genetics (formerly Invitae), Labcorp
Classification: Uncertain significance for Autosomal recessive limb-girdle muscular dystrophy type 2A. Last evaluated: 2023-07-27. Review status: criteria provided, single submitter. Criteria: Invitae Variant Classification Sherloc (09022015). Collection method: clinical testing. Allele origin: germline.
Comment: In summary, the available evidence is currently insufficient to determine the role of this variant in disease. Therefore, it has been classified as a Variant of Uncertain Significance. Advanced modeling of protein sequence and biophysical properties (such as structural, functional, and spatial information, amino acid conservation, physicochemical variation, residue mobility, and thermodynamic stability) performed at Invitae indicates that this missense variant is not expected to disrupt CAPN3 protein function. This variant has not been reported in the literature in individuals affected with CAPN3-related conditions. This variant is not present in population databases (gnomAD no frequency). This sequence change replaces leucine, which is neutral and non-polar, with valine, which is neutral and non-polar, at codon 205 of the CAPN3 protein (p.Leu205Val).